The following is an entry in ClinVar:

ClinVar aggregate classification (germline): Pathogenic. Review status: criteria provided, single submitter (1 of 4 stars). 2 submissions from 2 submitters: Pathogenic (1). 1 of the submissions does not count toward it.

Conditions:
Osteogenesis imperfecta type I (OI1). Also called: OI, TYPE I; OSTEOGENESIS IMPERFECTA TARDA; OSTEOGENESIS IMPERFECTA WITH BLUE SCLERAE; Lobstein's Disease; Classic Non-deforming Osteogenesis Imperfecta with Blue Sclerae; Lobstein disease. Identifiers: Orphanet 216796, Orphanet 666, MedGen C0023931, MONDO:0008146, OMIM 166200. Disease mechanism: loss of function.

Submissions (2):

Clinical Biomedical Laboratory, Shriners Hospital For Children - Canada
Classification: Pathogenic for Osteogenesis imperfecta type I. Review status: criteria provided, single submitter. Criteria: ACMG Guidelines, 2015. Collection method: clinical testing. Allele origin: germline. Affected: yes.
Comment: This variant is predicted to substitute a tyrosine residue by a stop codon. This is expected to lead to degradation of the affected transcript and loss of function of the affected allele. Loss of function variants in COL1A1 are associated with osteogenesis imperfecta type I, which corresponds to the clinical diagnosis of the proband. This variant is absent from the Genome Aggregation Database (v2.1.1.), indicating it is very rare. Based on the ACMG variant interpretation guidelines (criteria: PVS1, PM4, PP4), the available evidence supports classification of this variant as pathogenic.

Molecular Genetics laboratory, Necker Hospital
Classification: Likely pathogenic for Osteogenesis imperfecta type I. Review status: no assertion criteria provided. Collection method: clinical testing. Allele origin: unknown. Inheritance: Autosomal dominant inheritance. Affected: yes. Observed: 1 heterozygote. Not counted in ClinVar's aggregate classification.

NM_000088.4(COL1A1):c.141C>G (p.Tyr47Ter)

Gene: COL1A1 (collagen type I alpha 1 chain; minus strand). Cytogenetic location: 17q21.33.
Variant type: single nucleotide variant.
Coding change: c.141C>G on transcript NM_000088.4 (MANE Select); coding-DNA position 141, C replaced by G.
Protein change: p.Tyr47Ter; replaces tyrosine 47 with a stop codon.
Molecular consequence: nonsense.
Genome position (GRCh38, 1-based): chr17:50,199,910, G>C on the plus strand (C>G on the coding strand, the complement: COL1A1 is on the minus strand). VCF-style: chr17-50199910-G-C. GRCh37 (hg19) VCF-style: chr17-48277271-G-C.
Other names: short protein forms Y47*.
Identifiers: ClinVar variation 1803790 (VCV001803790.2), dbSNP rs2509259501, ClinGen allele CA400228604.